The following is an entry in ClinVar:

ClinVar aggregate classification (germline): Uncertain significance (1 of 4 stars; one submission).

Allele frequency attached by ClinVar (database versions not stated): gnomAD 0.00001; ESP Exome Variant Server 0.00008.
gnomAD v4.1: 13 of 1,614,082 alleles (0.00081%); highest among the groups gnomAD compares: African/African-American, 0.0013%; no homozygotes.

Submission:

Labcorp Genetics (formerly Invitae), Labcorp
Classification: Uncertain significance. Last evaluated: 2022-05-17. Review status: criteria provided, single submitter. Criteria: Invitae Variant Classification Sherloc (09022015). Collection method: clinical testing. Allele origin: germline.
Comment: Algorithms developed to predict the effect of missense changes on protein structure and function are either unavailable or do not agree on the potential impact of this missense change (SIFT: "Deleterious"; PolyPhen-2: "Not Available"; Align-GVGD: "Class C65"). In summary, the available evidence is currently insufficient to determine the role of this variant in disease. Therefore, it has been classified as a Variant of Uncertain Significance. This variant has not been reported in the literature in individuals affected with BRD4-related conditions. This sequence change replaces threonine, which is neutral and polar, with methionine, which is neutral and non-polar, at codon 103 of the BRD4 protein (p.Thr103Met). This variant is present in population databases (rs200203571, gnomAD 0.007%).

NM_001379291.1(BRD4):c.308C>T (p.Thr103Met)

Gene: BRD4 (bromodomain containing 4; minus strand). Cytogenetic location: 19p13.12.
Variant type: single nucleotide variant.
Coding change: c.308C>T on transcript NM_001379291.1 (MANE Select); coding-DNA position 308, C replaced by T.
Protein change: p.Thr103Met; replaces threonine 103 with methionine.
Molecular consequence: missense variant.
Genome position (GRCh38, 1-based): chr19:15,269,020, G>A on the plus strand (C>T on the coding strand, the complement: BRD4 is on the minus strand). VCF-style: chr19-15269020-G-A. GRCh37 (hg19) VCF-style: chr19-15379831-G-A.
Other names: c.308C>T, p.Thr103Met (NM_001330384.2, NM_001379292.1, NM_014299.3 and 1 more transcripts); short protein forms T103M.
Identifiers: ClinVar variation 2172360 (VCV002172360.4), dbSNP rs200203571, ClinGen allele CA9265661.
Genomic context (GRCh38, chr19:15,269,020, plus strand): 5'-TGAGCATTCCAGTAATAGTTGTTTTCCAAGCGCTTCTTTATTGTTCCCATATCCATAGGC[G>A]TTTTAATGATCTTATAGTAATCCTGGAGAGCAGAGAGCAAAAGTCCAGTGTCACCTAGGC-3'
Protein context (NP_001366220.1, residues 93-113): NLPDYYKIIK[Thr103Met]PMDMGTIKKR